The following is an entry in ClinVar:

NM_139321.3(ATRN):c.726T>C (p.Asn242=)

Gene: ATRN (attractin; plus strand). Cytogenetic location: 20p13.
Variant type: single nucleotide variant.
Coding change: c.726T>C on transcript NM_139321.3 (MANE Select); coding-DNA position 726, T replaced by C.
Protein change: p.Asn242=; no amino-acid change (asparagine 242 retained).
Molecular consequence: synonymous variant.
Genome position (GRCh38, 1-based): chr20:3,545,879, T>C. VCF-style: chr20-3545879-T-C. GRCh37 (hg19) VCF-style: chr20-3526526-T-C.
Other names: c.726T>C (NM_139321.2); c.378T>C, p.Asn126= (NM_001207047.3); c.726T>C, p.Asn242= (NM_001323332.2, NM_139322.4).
Identifiers: ClinVar variation 2041371 (VCV002041371.29), dbSNP rs564569898, ClinGen allele CA9743865.

ClinVar aggregate classification (germline): Benign/Likely benign. Review status: criteria provided, multiple submitters, no conflicts (2 of 4 stars). 3 submissions from 3 submitters: Benign (1); Likely benign (1). 1 of the submissions does not count toward it. Last evaluated 2024-12-02.

Conditions:
ATRN-related disorder. Also called: ATRN-related condition.

Allele frequency attached by ClinVar (database versions not stated): TOPMed 0.00002; gnomAD 0.00007; gnomAD exomes 0.00016; ExAC 0.00030; 1000 Genomes Project 0.00040; 1000 Genomes Project 30x 0.00062.
gnomAD v4.1: 250 of 1,613,840 alleles (0.015%); highest among the groups gnomAD compares: South Asian, 0.21%; no homozygotes.

Submissions (3):

Labcorp Genetics (formerly Invitae), Labcorp
Classification: Benign. Last evaluated: 2024-12-02. Review status: criteria provided, single submitter. Criteria: Invitae Variant Classification Sherloc (09022015). Collection method: clinical testing. Allele origin: germline.

CeGaT Center for Human Genetics Tuebingen
Classification: Likely benign. Last evaluated: 2022-08-01. Review status: criteria provided, single submitter. Criteria: CeGaT Center For Human Genetics Tuebingen Variant Classification Criteria Version 2. Collection method: clinical testing. Allele origin: germline. Affected: yes. Observed: 1 variant allele.
Comment: ATRN: BP4, BP7

PreventionGenetics, part of Exact Sciences
Classification: Likely benign for ATRN-related condition. Last evaluated: 2019-05-28. Review status: no assertion criteria provided. Collection method: clinical testing. Allele origin: germline. Not counted in ClinVar's aggregate classification.
Comment: This variant is classified as likely benign based on ACMG/AMP sequence variant interpretation guidelines (Richards et al. 2015 PMID: 25741868, with internal and published modifications).